The following is an entry in ClinVar:

ClinVar aggregate classification (germline): Likely benign. Review status: criteria provided, multiple submitters, no conflicts (2 of 4 stars). 2 submissions from 2 submitters: Likely benign (2). Last evaluated 2026-06-01.

Allele frequency attached by ClinVar (database versions not stated): gnomAD exomes 0.00003 and 0.00008; ExAC 0.00010; TOPMed 0.00021; gnomAD 0.00022 and 0.00023; ESP Exome Variant Server 0.00023.
gnomAD v4.1: 79 of 1,613,648 alleles (0.0049%); highest among the groups gnomAD compares: African/African-American, 0.087%; no homozygotes.

Submissions (2):

CeGaT Center for Human Genetics Tuebingen
Classification: Likely benign. Last evaluated: 2026-06-01. Review status: criteria provided, single submitter. Criteria: CeGaT Center For Human Genetics Tuebingen Variant Classification Criteria Version 2. Collection method: clinical testing. Allele origin: germline. Affected: yes. Observed: 1 variant allele.
Comment: SHANK2: BP4

Labcorp Genetics (formerly Invitae), Labcorp
Classification: Likely benign. Last evaluated: 2018-07-23. Review status: criteria provided, single submitter. Criteria: Invitae Variant Classification Sherloc (09022015). Collection method: clinical testing. Allele origin: germline.

NM_012309.5(SHANK2):c.4793A>G (p.Gln1598Arg)

Gene: SHANK2 (SH3 and multiple ankyrin repeat domains 2; minus strand). Cytogenetic location: 11q13.3.
Variant type: single nucleotide variant.
Coding change: c.4793A>G on transcript NM_012309.5 (MANE Select); coding-DNA position 4793, A replaced by G.
Protein change: p.Gln1598Arg; replaces glutamine 1598 with arginine.
Molecular consequence: missense variant.
Genome position (GRCh38, 1-based): chr11:70,485,500, T>C on the plus strand (A>G on the coding strand, the complement: SHANK2 is on the minus strand). VCF-style: chr11-70485500-T-C. GRCh37 (hg19) VCF-style: chr11-70331605-T-C.
Other names: c.3029A>G, p.Gln1010Arg (NM_133266.5); c.3656A>G, p.Gln1219Arg (NM_001379226.1); short protein forms Q1010R, Q1598R, Q1219R.
Identifiers: ClinVar variation 754458 (VCV000754458.5), dbSNP rs367956761, ClinGen allele CA6160857.